The following is an entry in ClinVar:

NM_001206927.2(DNAH8):c.13372-6T>C

Gene: DNAH8 (dynein axonemal heavy chain 8; plus strand). Cytogenetic location: 6p21.2.
Variant type: single nucleotide variant.
Coding change: c.13372-6T>C on transcript NM_001206927.2 (MANE Select); 6 bases into the intron before coding-DNA position 13372, T replaced by C.
Molecular consequence: intron variant.
Genome position (GRCh38, 1-based): chr6:39,012,209, T>C. VCF-style: chr6-39012209-T-C. GRCh37 (hg19) VCF-style: chr6-38979985-T-C.
Other names: c.12721-6T>C (NM_001371.4); c.13372-6T>C (NM_001206927.1).
Identifiers: ClinVar variation 4737022 (VCV004737022.2).

ClinVar aggregate classification (germline): Likely benign. Review status: criteria provided, multiple submitters, no conflicts (2 of 4 stars). 2 submissions from 2 submitters: Likely benign (2). Last evaluated 2026-06-28.

Conditions:
DNAH8-related disorder. Also called: DNAH8-related condition.
Primary ciliary dyskinesia. Also called: Ciliary dyskinesia. Identifiers: Orphanet 244, MedGen C0008780, MONDO:0016575, HP:0012265.

gnomAD v4.1: 3 of 1,593,848 alleles (0.00019%); highest among the groups gnomAD compares: Admixed American, 0.0051%; no homozygotes.

Submissions (2):

PreventionGenetics, part of Exact Sciences
Classification: Likely benign for DNAH8-related condition. Last evaluated: 2026-06-28. Review status: criteria provided, single submitter. Criteria: ACMG Guidelines, 2015. Collection method: clinical testing. Allele origin: germline.
Comment: This variant is classified as likely benign based on ACMG/AMP sequence variant interpretation guidelines (Richards et al. 2015 PMID: 25741868, with internal and published modifications).

Labcorp Genetics (formerly Invitae), Labcorp
Classification: Likely benign for Primary ciliary dyskinesia. Last evaluated: 2025-09-09. Review status: criteria provided, single submitter. Criteria: Invitae Variant Classification Sherloc (09022015). Collection method: clinical testing. Allele origin: germline.